The following is an entry in ClinVar:

NM_001374736.1(DST):c.15709G>A (p.Glu5237Lys)

Gene: DST (dystonin; minus strand). Cytogenetic location: 6p12.1.
Variant type: single nucleotide variant.
Coding change: c.15709G>A on transcript NM_001374736.1 (MANE Select); coding-DNA position 15709, G replaced by A.
Protein change: p.Glu5237Lys; replaces glutamic acid 5237 with lysine.
Molecular consequence: missense variant.
Genome position (GRCh38, 1-based): chr6:56,553,083, C>T on the plus strand (G>A on the coding strand, the complement: DST is on the minus strand). VCF-style: chr6-56553083-C-T. GRCh37 (hg19) VCF-style: chr6-56417881-C-T.
Other names: c.15076G>A, p.Glu5026Lys (NM_001374729.1); c.8818G>A, p.Glu2940Lys (NM_001374730.1, NM_183380.4); c.15736G>A, p.Glu5246Lys (NM_001374734.1); c.7840G>A, p.Glu2614Lys (NM_015548.5); c.9352G>A, p.Glu3118Lys (NM_001144769.5); c.8938G>A, p.Glu2980Lys (NM_001144770.2); c.15709G>A, p.Glu5237Lys (NM_001374722.1); short protein forms E2614K, E3118K, E5026K, E2940K, E5237K, E2980K, E5246K.
Identifiers: ClinVar variation 969803 (VCV000969803.8), dbSNP rs2097347589, ClinGen allele CA364516367.

ClinVar aggregate classification (germline): Uncertain significance (1 of 4 stars; one submission).

Conditions:
Epidermolysis bullosa simplex 3, localized or generalized intermediate, with BP230 deficiency (EBS3). Also called: Epidermolysis bullosa simplex, autosomal recessive 2; Epidermolysis bullosa simplex due to BP230 deficiency. Identifiers: Orphanet 412181, MedGen C3809470, MONDO:0014180, OMIM 615425.
Hereditary sensory and autonomic neuropathy type 6. Also called: Neuropathy, hereditary sensory and autonomic, type VI; HSAN VI. Identifiers: Orphanet 314381, MedGen C3539003, MONDO:0013839, OMIM 614653.

Submission:

Labcorp Genetics (formerly Invitae), Labcorp
Classification: Uncertain significance for Epidermolysis bullosa simplex 3, localized or generalized intermediate, with BP230 deficiency; Hereditary sensory and autonomic neuropathy type 6. Last evaluated: 2019-03-07. Review status: criteria provided, single submitter. Criteria: Invitae Variant Classification Sherloc (09022015). Collection method: clinical testing. Allele origin: germline.
Comment: This sequence change replaces glutamic acid with lysine at codon 2614 of the DST protein (p.Glu2614Lys). The glutamic acid residue is moderately conserved and there is a small physicochemical difference between glutamic acid and lysine. The DST gene has multiple clinically relevant transcripts. The p.Glu2614Lys variant occurs in alternate transcript NM_015548.4, which corresponds to c.*62434G>A in NM_001723.5, the primary transcript listed in the Methods. In summary, the available evidence is currently insufficient to determine the role of this variant in disease. Therefore, it has been classified as a Variant of Uncertain Significance. Algorithms developed to predict the effect of missense changes on protein structure and function are either unavailable or do not agree on the potential impact of this missense change (SIFT: "Tolerated"; PolyPhen-2: "Not Available"; Align-GVGD: "Class C0"). This variant has not been reported in the literature in individuals with DST-related conditions. This variant is not present in population databases (ExAC no frequency).